The following is an entry in ClinVar:

NM_016284.5(CNOT1):c.5588A>G (p.Tyr1863Cys)

Gene: CNOT1 (CCR4-NOT transcription complex subunit 1; minus strand). Cytogenetic location: 16q21.
Variant type: single nucleotide variant.
Coding change: c.5588A>G on transcript NM_016284.5 (MANE Select); coding-DNA position 5588, A replaced by G.
Protein change: p.Tyr1863Cys; replaces tyrosine 1863 with cysteine.
Molecular consequence: missense variant. On other transcripts: non-coding transcript variant (1).
Genome position (GRCh38, 1-based): chr16:58,537,047, T>C on the plus strand (A>G on the coding strand, the complement: CNOT1 is on the minus strand). VCF-style: chr16-58537047-T-C. GRCh37 (hg19) VCF-style: chr16-58570951-T-C.
Other names: c.5573A>G, p.Tyr1858Cys (NM_001265612.2); short protein forms Y1858C, Y1863C.
Identifiers: ClinVar variation 2580105 (VCV002580105.1), dbSNP rs2543867072, ClinGen allele CA396164223.
Genomic context (GRCh38, chr16:58,537,047, plus strand): 5'-ACCTGTCCAACAAATGCAGAGAAAGCTTTGGTACTGTCGCGGCCAGCTGCTGCTGAATGG[T>C]AGAGATTCACCCATTCCCTCAGAAGATACTCTGCCTTCTCCCTCAGGCCTGGAGGGTCAT-3'
Protein context (NP_057368.3, residues 1853-1873): EYLLREWVNL[Tyr1863Cys]HSAAAGRDST

ClinVar aggregate classification (germline): Uncertain significance (1 of 4 stars; one submission).

Allele frequency attached by ClinVar (database versions not stated): gnomAD exomes below 0.00001.
gnomAD v4.1: 1 of 1,614,088 alleles (0.000062%); highest among the groups gnomAD compares: South Asian, 0.0011%; no homozygotes.

Submission:

GeneDx
Classification: Uncertain significance. Last evaluated: 2023-03-18. Review status: criteria provided, single submitter. Criteria: GeneDx Variant Classification Process June 2021. Collection method: clinical testing. Allele origin: germline. Affected: yes.
Comment: Not observed at significant frequency in large population cohorts (gnomAD); In silico analysis supports that this missense variant has a deleterious effect on protein structure/function; Has not been previously published as pathogenic or benign to our knowledge